The following is an entry in ClinVar:

NM_021813.4(BACH2):c.2257C>G (p.Gln753Glu)

Gene: BACH2 (BACH transcriptional regulator 2; minus strand). Cytogenetic location: 6q15.
Variant type: single nucleotide variant.
Coding change: c.2257C>G on transcript NM_021813.4 (MANE Select); coding-DNA position 2257, C replaced by G.
Protein change: p.Gln753Glu; replaces glutamine 753 with glutamic acid.
Molecular consequence: missense variant.
Genome position (GRCh38, 1-based): chr6:89,932,677, G>C on the plus strand (C>G on the coding strand, the complement: BACH2 is on the minus strand). VCF-style: chr6-89932677-G-C. GRCh37 (hg19) VCF-style: chr6-90642396-G-C.
Other names: c.2257C>G, p.Gln753Glu (NM_001170794.2); short protein forms Q753E.
Identifiers: ClinVar variation 3684239 (VCV003684239.2).

ClinVar aggregate classification (germline): Uncertain significance (1 of 4 stars; one submission).

gnomAD v4.1: 1 of 1,614,028 alleles (0.000062%); highest among the groups gnomAD compares: Non-Finnish European, 0.000085%; no homozygotes.

Submission:

Labcorp Genetics (formerly Invitae), Labcorp
Classification: Uncertain significance. Last evaluated: 2024-05-26. Review status: criteria provided, single submitter. Criteria: Invitae Variant Classification Sherloc (09022015). Collection method: clinical testing. Allele origin: germline.
Comment: This sequence change replaces glutamine, which is neutral and polar, with glutamic acid, which is acidic and polar, at codon 753 of the BACH2 protein (p.Gln753Glu). This variant is present in population databases (no rsID available, gnomAD 0.007%). This variant has not been reported in the literature in individuals affected with BACH2-related conditions. Advanced modeling of protein sequence and biophysical properties (such as structural, functional, and spatial information, amino acid conservation, physicochemical variation, residue mobility, and thermodynamic stability) performed at Invitae indicates that this missense variant is not expected to disrupt BACH2 protein function with a negative predictive value of 80%. In summary, the available evidence is currently insufficient to determine the role of this variant in disease. Therefore, it has been classified as a Variant of Uncertain Significance.